The following is an entry in ClinVar:

ClinVar aggregate classification (germline): Uncertain significance (1 of 4 stars; one submission).

gnomAD v4.1: 7 of 1,614,202 alleles (0.00043%); highest among the groups gnomAD compares: East Asian, 0.0045%; no homozygotes.

Submission:

Ambry Genetics
Classification: Uncertain significance. Last evaluated: 2026-08-15. Review status: criteria provided, single submitter. Criteria: Ambry Variant Classification Scheme 2023. Collection method: clinical testing. Allele origin: germline.
Comment: The p.Q1030R variant (also known as c.3089A>G), located in coding exon 1 of the TET2 gene, results from an A to G substitution at nucleotide position 3089. The glutamine at codon 1030 is replaced by arginine, an amino acid with highly similar properties. This amino acid position is conserved. In addition, this alteration is predicted to be tolerated by in silico analysis. Based on the available evidence, the clinical significance of this variant remains unclear.

NM_001127208.3(TET2):c.3089A>G (p.Gln1030Arg)

Genes: TET2 (tet methylcytosine dioxygenase 2; plus strand), TET2-AS1 (TET2 antisense RNA 1; minus strand). Cytogenetic location: 4q24.
Variant type: single nucleotide variant.
Coding change: c.3089A>G on transcript NM_001127208.3 (MANE Select); coding-DNA position 3089, A replaced by G.
Protein change: p.Gln1030Arg; replaces glutamine 1030 with arginine.
Molecular consequence: missense variant.
Genome position (GRCh38, 1-based): chr4:105,237,031, A>G. VCF-style: chr4-105237031-A-G. GRCh37 (hg19) VCF-style: chr4-106158188-A-G.
Other names: c.3089A>G, p.Gln1030Arg (NM_017628.4); short protein forms Q1030R.
Identifiers: ClinVar variation 5030750 (VCV005030750.1).
Genomic context (GRCh38, chr4:105,237,031, plus strand): 5'-AGAATCCACCTGCAAGCTGTGATAATGTGCAGCAAAAGAGCATCATTGAGACCATGGAGC[A>G]GCATCTGAAGCAGTTTCACGCCAAGTCGTTATTTGACCATAAGGCTCTTACTCTCAAATC-3'
Protein context (NP_001120680.1, residues 1020-1040): QQKSIIETME[Gln1030Arg]HLKQFHAKSL